The following is an entry in ClinVar:

ClinVar aggregate classification (germline): Likely benign (0 of 4 stars; one submission).

Conditions:
BRPF1-related disorder. Also called: BRPF1-related condition.

Allele frequency attached by ClinVar (database versions not stated): ExAC 0.00008; gnomAD 0.00009; TOPMed 0.00012; ESP Exome Variant Server 0.00023.
gnomAD v4.1: 91 of 1,612,408 alleles (0.0056%); highest among the groups gnomAD compares: Non-Finnish European, 0.0073%; no homozygotes.

Submission:

PreventionGenetics, part of Exact Sciences
Classification: Likely benign for BRPF1-related condition. Last evaluated: 2019-03-20. Review status: no assertion criteria provided. Collection method: clinical testing. Allele origin: germline.
Comment: This variant is classified as likely benign based on ACMG/AMP sequence variant interpretation guidelines (Richards et al. 2015 PMID: 25741868, with internal and published modifications).

NM_001003694.2(BRPF1):c.1182A>G (p.Ser394=)

Gene: BRPF1 (bromodomain and PHD finger containing 1; plus strand). Cytogenetic location: 3p25.3.
Variant type: single nucleotide variant.
Coding change: c.1182A>G on transcript NM_001003694.2 (MANE Select); coding-DNA position 1182, A replaced by G.
Protein change: p.Ser394=; no amino-acid change (serine 394 retained).
Molecular consequence: synonymous variant. On other transcripts: non-coding transcript variant (1).
Genome position (GRCh38, 1-based): chr3:9,739,581, A>G. VCF-style: chr3-9739581-A-G. GRCh37 (hg19) VCF-style: chr3-9781265-A-G.
Other names: c.1182A>G, p.Ser394= (NM_001319049.2, NM_001319050.2, NM_001410704.1 and 1 more transcripts).
Identifiers: ClinVar variation 3057681 (VCV003057681.2), dbSNP rs141374176, ClinGen allele CA2241820.